The following is an entry in ClinVar:

NM_001144967.3(NEDD4L):c.157G>C (p.Asp53His)

Gene: NEDD4L (NEDD4 like E3 ubiquitin protein ligase; plus strand). Cytogenetic location: 18q21.31.
Variant type: single nucleotide variant.
Coding change: c.157G>C on transcript NM_001144967.3 (MANE Select); coding-DNA position 157, G replaced by C.
Protein change: p.Asp53His; replaces aspartic acid 53 with histidine.
Molecular consequence: missense variant. On other transcripts: 5 prime UTR variant (5).
Genome position (GRCh38, 1-based): chr18:58,245,461, G>C. VCF-style: chr18-58245461-G-C. GRCh37 (hg19) VCF-style: chr18-55912693-G-C.
Other names: c.-207G>C (NM_001144964.1, NM_001144965.2, NM_001144966.3 and 2 more transcripts); c.133G>C, p.Asp45His (NM_001144968.2, NM_001144969.2); c.157G>C, p.Asp53His (NM_001243960.2, NM_015277.6); short protein forms D45H, D53H.
Identifiers: ClinVar variation 4740452 (VCV004740452.1).

ClinVar aggregate classification (germline): Uncertain significance (1 of 4 stars; one submission).

Submission:

Labcorp Genetics (formerly Invitae), Labcorp
Classification: Uncertain significance. Last evaluated: 2025-07-13. Review status: criteria provided, single submitter. Criteria: Invitae Variant Classification Sherloc (09022015). Collection method: clinical testing. Allele origin: germline.
Comment: This sequence change replaces aspartic acid, which is acidic and polar, with histidine, which is basic and polar, at codon 53 of the NEDD4L protein (p.Asp53His). This variant is not present in population databases (gnomAD no frequency). This variant has not been reported in the literature in individuals affected with NEDD4L-related conditions. Invitae Evidence Modeling of protein sequence and biophysical properties (such as structural, functional, and spatial information, amino acid conservation, physicochemical variation, residue mobility, and thermodynamic stability) indicates that this missense variant is not expected to disrupt NEDD4L protein function with a negative predictive value of 80%. In summary, the available evidence is currently insufficient to determine the role of this variant in disease. Therefore, it has been classified as a Variant of Uncertain Significance.